The following is an entry in ClinVar:

NM_000053.4(ATP7B):c.1441T>C (p.Ser481Pro)

Gene: ATP7B (ATPase copper transporting beta; minus strand). Cytogenetic location: 13q14.3.
Variant type: single nucleotide variant.
Coding change: c.1441T>C on transcript NM_000053.4 (MANE Select); coding-DNA position 1441, T replaced by C.
Protein change: p.Ser481Pro; replaces serine 481 with proline.
Molecular consequence: missense variant.
Genome position (GRCh38, 1-based): chr13:51,970,594, A>G on the plus strand (T>C on the coding strand, the complement: ATP7B is on the minus strand). VCF-style: chr13-51970594-A-G. GRCh37 (hg19) VCF-style: chr13-52544730-A-G.
Other names: c.1441T>C, p.Ser481Pro (NM_001406531.1, NM_001406532.1, NM_001406534.1 and 28 more transcripts); c.1345T>C, p.Ser449Pro (NM_001406536.1, NM_001406517.1, NM_001406518.1 and 3 more transcripts); c.1012T>C, p.Ser338Pro (NM_001406539.1); c.1108T>C, p.Ser370Pro (NM_001243182.2); short protein forms S338P, S481P, S449P, S370P.
Identifiers: ClinVar variation 2057940 (VCV002057940.3), dbSNP rs769215829, ClinGen allele CA6989351.

ClinVar aggregate classification (germline): Uncertain significance. Review status: criteria provided, multiple submitters, no conflicts (2 of 4 stars). 3 submissions from 3 submitters: Uncertain significance (3). Last evaluated 2024-05-14.

Conditions:
Wilson disease (WND). Also called: Wilson's disease. Identifiers: Orphanet 905, MedGen C0019202, MONDO:0010200, OMIM 277900. Disease mechanism: loss of function.

Allele frequency attached by ClinVar (database versions not stated): ExAC 0.00001; gnomAD 0.00001.
gnomAD v4.1: 7 of 1,613,876 alleles (0.00043%); highest among the groups gnomAD compares: Admixed American, 0.01%; no homozygotes.

Submissions (3):

Fulgent Genetics
Classification: Uncertain significance for Wilson disease. Last evaluated: 2024-05-14. Review status: criteria provided, single submitter. Criteria: ACMG Guidelines, 2015. Collection method: clinical testing. Allele origin: germline.

All of Us Research Program, National Institutes of Health
Classification: Uncertain significance for Wilson disease. Last evaluated: 2024-01-03. Review status: criteria provided, single submitter. Criteria: ACMG Guidelines, 2015. Collection method: clinical testing. Allele origin: germline. Inheritance: Autosomal recessive inheritance. Observed: 2 variant alleles, 2 heterozygotes.
Comment: This missense variant replaces serine with proline at codon 481 of the ATP7B protein. Computational prediction suggests that this variant may not impact protein structure and function (internally defined REVEL score threshold <= 0.5, PMID: 27666373). To our knowledge, functional studies have not been reported for this variant. This variant has not been reported in individuals affected with ATP7B-related disorders in the literature. This variant has been identified in 4/249464 chromosomes in the general population by the Genome Aggregation Database (gnomAD). The available evidence is insufficient to determine the role of this variant in disease conclusively. Therefore, this variant is classified as a Variant of Uncertain Significance.

This study involves interpretation of variants in research participants for the purpose of population health screening. Participant phenotype was not available at the time of variant classification. Additional details can be found in publication PMID: 35346344, PMCID: PMC8962531

Labcorp Genetics (formerly Invitae), Labcorp
Classification: Uncertain significance for Wilson disease. Last evaluated: 2022-07-12. Review status: criteria provided, single submitter. Criteria: Invitae Variant Classification Sherloc (09022015). Collection method: clinical testing. Allele origin: germline.
Comment: This sequence change replaces serine, which is neutral and polar, with proline, which is neutral and non-polar, at codon 481 of the ATP7B protein (p.Ser481Pro). This variant is present in population databases (rs769215829, gnomAD 0.006%). This variant has not been reported in the literature in individuals affected with ATP7B-related conditions. Advanced modeling of protein sequence and biophysical properties (such as structural, functional, and spatial information, amino acid conservation, physicochemical variation, residue mobility, and thermodynamic stability) performed at Invitae indicates that this missense variant is not expected to disrupt ATP7B protein function. In summary, the available evidence is currently insufficient to determine the role of this variant in disease. Therefore, it has been classified as a Variant of Uncertain Significance.